The following is an entry in ClinVar:

ClinVar aggregate classification (germline): Uncertain significance (1 of 4 stars; one submission).

Conditions:
Focal segmental glomerulosclerosis 5 (FSGS5). Identifiers: Orphanet 656, MedGen C2750475, MONDO:0013191, OMIM 613237.
Charcot-Marie-Tooth disease dominant intermediate E. Also called: CHARCOT-MARIE-TOOTH NEUROPATHY WITH FOCAL SEGMENTAL GLOMERULONEPHRITIS. Identifiers: Orphanet 93114, MedGen C4302667, MONDO:0013758, OMIM 614455.

Submission:

Labcorp Genetics (formerly Invitae), Labcorp
Classification: Uncertain significance for Charcot-Marie-Tooth disease dominant intermediate E; Focal segmental glomerulosclerosis 5. Last evaluated: 2024-03-01. Review status: criteria provided, single submitter. Criteria: Invitae Variant Classification Sherloc (09022015). Collection method: clinical testing. Allele origin: germline.
Comment: This sequence change replaces glutamine, which is neutral and polar, with histidine, which is basic and polar, at codon 113 of the INF2 protein (p.Gln113His). This variant is not present in population databases (gnomAD no frequency). This variant has not been reported in the literature in individuals affected with INF2-related conditions. Advanced modeling of protein sequence and biophysical properties (such as structural, functional, and spatial information, amino acid conservation, physicochemical variation, residue mobility, and thermodynamic stability) performed at Invitae indicates that this missense variant is not expected to disrupt INF2 protein function with a negative predictive value of 95%. In summary, the available evidence is currently insufficient to determine the role of this variant in disease. Therefore, it has been classified as a Variant of Uncertain Significance.

NM_022489.4(INF2):c.339G>C (p.Gln113His)

Gene: INF2 (inverted formin 2; plus strand). Cytogenetic location: 14q32.33.
Variant type: single nucleotide variant.
Coding change: c.339G>C on transcript NM_022489.4 (MANE Select); coding-DNA position 339, G replaced by C.
Protein change: p.Gln113His; replaces glutamine 113 with histidine.
Molecular consequence: missense variant. On other transcripts: non-coding transcript variant (1).
Genome position (GRCh38, 1-based): chr14:104,701,704, G>C. VCF-style: chr14-104701704-G-C. GRCh37 (hg19) VCF-style: chr14-105168041-G-C.
Other names: c.339G>C, p.Gln113His (NM_001031714.4, NM_001426862.1, NM_001426863.1 and 6 more transcripts); short protein forms Q113H.
Identifiers: ClinVar variation 3749756 (VCV003749756.2).
Genomic context (GRCh38, chr14:104,701,704, plus strand): 5'-CGACGCCCTGCTGCAGCTCACCTGCGTCAGCTGCGTGCGCGCCGTCATGAACTCGCGGCA[G>C]GGCATCGAGTACATCCTCAGCAACCAGGGCTACGTGCGCCAGCTCTCCCAGGGTGAGCCG-3'
Protein context (NP_071934.3, residues 103-123): SCVRAVMNSR[Gln113His]GIEYILSNQG